The following is an entry in ClinVar:

ClinVar aggregate classification (germline): Pathogenic. Review status: criteria provided, multiple submitters, no conflicts (2 of 4 stars). 3 submissions from 3 submitters: Pathogenic (2). 1 of the submissions does not count toward it. Last evaluated 2022-09-27.

Conditions:
Chédiak-Higashi syndrome (CHS). Also called: Chediak-Higashi Syndrome. Identifiers: Orphanet 167, MedGen C0007965, MONDO:0008963, OMIM 214500.

Allele frequency attached by ClinVar (database versions not stated): gnomAD exomes below 0.00001.

Submissions (3):

Labcorp Genetics (formerly Invitae), Labcorp
Classification: Pathogenic for Chédiak-Higashi syndrome. Last evaluated: 2022-09-27. Review status: criteria provided, single submitter. Criteria: Invitae Variant Classification Sherloc (09022015). Collection method: clinical testing. Allele origin: germline.
Comment: This sequence change creates a premature translational stop signal (p.Glu805Asnfs*2) in the LYST gene. It is expected to result in an absent or disrupted protein product. Loss-of-function variants in LYST are known to be pathogenic (PMID: 9215679, 11857544). For these reasons, this variant has been classified as Pathogenic. ClinVar contains an entry for this variant (Variation ID: 65535). This premature translational stop signal has been observed in individual(s) with Chediak–Higashi syndrome (PMID: 17554367). This variant is not present in population databases (gnomAD no frequency).

Johns Hopkins Genomics, Johns Hopkins University
Classification: Pathogenic for Chédiak-Higashi syndrome. Last evaluated: 2022-08-04. Review status: criteria provided, single submitter. Criteria: ACMG Guidelines, 2015. Collection method: clinical testing. Allele origin: germline.

GeneReviews
No classification provided. Condition: Chédiak-Higashi syndrome. Review status: no classification provided. Collection method: literature only. Allele origin: germline. Not counted in ClinVar's aggregate classification.

Literature cited by the submitters: PubMed 9215679 (cited by Labcorp Genetics (formerly Invitae), Labcorp); PubMed 11857544 (cited by Labcorp Genetics (formerly Invitae), Labcorp and Johns Hopkins Genomics, Johns Hopkins University); PubMed 17554367 (cited by Labcorp Genetics (formerly Invitae), Labcorp); PubMed 20301751 (cited by Johns Hopkins Genomics, Johns Hopkins University); PubMed 9215680 (cited by Johns Hopkins Genomics, Johns Hopkins University).

NM_000081.4(LYST):c.2413del (p.Glu805fs)

Gene: LYST (lysosomal trafficking regulator; minus strand). Cytogenetic location: 1q42.3.
Variant type: Deletion.
Coding change: c.2413del on transcript NM_000081.4 (MANE Select); coding-DNA position 2413, one base deleted (G; older notation c.2413delG).
Protein change: p.Glu805fs; shifts the reading frame from glutamic acid 805.
Molecular consequence: frameshift variant.
Genome position (GRCh38, 1-based): chr1:235,806,723, C deleted on the plus strand (G on the coding strand, the reverse complement: LYST is on the minus strand). VCF-style (leftmost placement, unchanged base first): chr1-235806722-TC-T. GRCh37 (hg19) VCF-style: chr1-235970022-TC-T.
Other names: c.2413delG (NM_000081.3); c.2413del, p.Glu805fs (NM_001301365.1); short protein forms E805fs.
Identifiers: ClinVar variation 65535 (VCV000065535.13), dbSNP rs80338647, ClinGen allele CA344844.